The following is an entry in ClinVar:

NM_032043.3(BRIP1):c.2098-13T>G

Gene: BRIP1 (BRCA1 interacting DNA helicase 1; minus strand). Cytogenetic location: 17q23.2.
Variant type: single nucleotide variant.
Coding change: c.2098-13T>G on transcript NM_032043.3 (MANE Select); 13 bases into the intron before coding-DNA position 2098, T replaced by G.
Molecular consequence: intron variant.
Genome position (GRCh38, 1-based): chr17:61,744,604, A>C on the plus strand (T>G on the coding strand, the complement: BRIP1 is on the minus strand). VCF-style: chr17-61744604-A-C. GRCh37 (hg19) VCF-style: chr17-59821965-A-C.
Identifiers: ClinVar variation 923578 (VCV000923578.10), dbSNP rs2077035315, ClinGen allele CA985268002.

ClinVar aggregate classification (germline): Conflicting classifications of pathogenicity. Review status: criteria provided, conflicting classifications (1 of 4 stars). 2 submissions from 2 submitters: Uncertain significance (1); Likely benign (1). Last evaluated 2023-10-18.

Conditions:
Hereditary cancer-predisposing syndrome. Also called: Hereditary Cancer Syndrome; Hereditary neoplastic syndrome; Neoplastic Syndromes, Hereditary; Tumor predisposition. Identifiers: Orphanet 140162, MedGen C0027672, MeSH D009386, MONDO:0015356.
Familial cancer of breast. Also called: hereditary breast carcinoma; BREAST CANCER, FAMILIAL; Hereditary breast cancer. Identifiers: Orphanet 227535, MedGen C0346153, MONDO:0016419, OMIM 114480. Disease mechanism: loss of function.
Fanconi anemia complementation group J. Also called: BRIP1-Related Fanconi Anemia. Identifiers: Orphanet 84, MedGen C1836860, MONDO:0012187, OMIM 609054.

Submissions (2):

Labcorp Genetics (formerly Invitae), Labcorp
Classification: Likely benign for Familial cancer of breast; Fanconi anemia complementation group J. Last evaluated: 2023-10-18. Review status: criteria provided, single submitter. Criteria: Invitae Variant Classification Sherloc (09022015). Collection method: clinical testing. Allele origin: germline.

Color Diagnostics, LLC DBA Color Health
Classification: Uncertain significance for Hereditary cancer-predisposing syndrome. Last evaluated: 2022-03-07. Review status: criteria provided, single submitter. Criteria: ACMG Guidelines, 2015. Collection method: clinical testing. Allele origin: germline.
Comment: This variant causes a T>G nucleotide substitution at the -13 position of intron 14 of the BRIP1 gene. To our knowledge, functional assays have not been performed for this variant nor has this variant been reported in individuals affected with hereditary cancer in the literature. This variant has not been identified in the general population by the Genome Aggregation Database (gnomAD). Available evidence is insufficient to determine the role of this variant in disease conclusively. Therefore, this variant is classified as a Variant of Uncertain Significance.